The following is an entry in ClinVar:

NM_025243.4(SLC19A3):c.947A>C (p.Asn316Thr)

Gene: SLC19A3 (solute carrier family 19 member 3; minus strand). Cytogenetic location: 2q36.3.
Variant type: single nucleotide variant.
Coding change: c.947A>C on transcript NM_025243.4 (MANE Select); coding-DNA position 947, A replaced by C.
Protein change: p.Asn316Thr; replaces asparagine 316 with threonine.
Molecular consequence: missense variant.
Genome position (GRCh38, 1-based): chr2:227,698,768, T>G on the plus strand (A>C on the coding strand, the complement: SLC19A3 is on the minus strand). VCF-style: chr2-227698768-T-G. GRCh37 (hg19) VCF-style: chr2-228563484-T-G.
Other names: c.947A>C, p.Asn316Thr (NM_001371411.1, NM_001371412.1); c.935A>C, p.Asn312Thr (NM_001371413.1, NM_001371414.1); short protein forms N312T, N316T.
Identifiers: ClinVar variation 5004271 (VCV005004271.1).

ClinVar aggregate classification (germline): Uncertain significance (1 of 4 stars; one submission).

Conditions:
Biotin-responsive basal ganglia disease (BTBGD). Also called: Thiamine Transporter-2 Deficiency; Thiamine metabolism dysfunction syndrome 2 (biotin- or thiamine-responsive encephalopathy type 2); thiamine-responsive encephalopathy; Thiamine metabolism dysfunction syndrome type 2; THIAMINE METABOLISM DYSFUNCTION SYNDROME 2 (BIOTIN- AND THIAMINE-RESPONSIVE TYPE). Identifiers: Orphanet 199348, Orphanet 65284, MedGen C1843807, MONDO:0011841, OMIM 607483.

Submission:

Myriad Genetics, Inc.
Classification: Uncertain significance for Biotin-responsive basal ganglia disease. Last evaluated: 2025-11-05. Review status: criteria provided, single submitter. Criteria: Myriad Autosomal Dominant, Autosomal Recessive and X-Linked Classification Criteria (2023). Collection method: clinical testing. Allele origin: unknown.
Comment: NM_025243.3(SLC19A3):c.947A>C(N316T) is a missense variant classified as a variant of uncertain significance in the context of biotin-thiamine-responsive basal ganglia disease. N316T has been observed in cases with relevant disease (PMID: 34276785, 39358356). Relevant functional assessments of this variant are not available in the literature. N316T has not been observed in referenced population frequency databases. In summary, there is insufficient evidence to classify NM_025243.3(SLC19A3):c.947A>C(N316T) as pathogenic or benign. Please note: this variant was assessed in the context of healthy population screening.

Literature cited by the submitters: PubMed 34276785; PubMed 39358356.